The following is an entry in ClinVar:

ClinVar aggregate classification (germline): Pathogenic/Likely pathogenic. Review status: criteria provided, multiple submitters, no conflicts (2 of 4 stars). 3 submissions from 3 submitters: Pathogenic (2); Likely pathogenic (1). Last evaluated 2025-10-01.

Conditions:
Familial cancer of breast. Also called: Hereditary breast cancer; hereditary breast carcinoma; BREAST CANCER, FAMILIAL. Identifiers: Orphanet 227535, MedGen C0346153, MONDO:0016419, OMIM 114480. Disease mechanism: loss of function.
Ataxia-telangiectasia syndrome (AT). Also called: Ataxia telangiectasia (A-T); LOUIS-BAR SYNDROME; Cerebello-oculocutaneous telangiectasia; Immunodeficiency with ataxia telangiectasia; Ataxia-telangiectasia, complementation group D; AT, COMPLEMENTATION GROUP C. Identifiers: Orphanet 100, MedGen C0004135, MONDO:0008840, OMIM 208900.

Submissions (3):

Labcorp Genetics (formerly Invitae), Labcorp
Classification: Pathogenic for Ataxia-telangiectasia syndrome. Last evaluated: 2025-10-01. Review status: criteria provided, single submitter. Criteria: Invitae Variant Classification Sherloc (09022015). Collection method: clinical testing. Allele origin: germline.
Comment: This sequence change creates a premature translational stop signal (p.Ser2764Argfs*5) in the ATM gene. It is expected to result in an absent or disrupted protein product. Loss-of-function variants in ATM are known to be pathogenic (PMID: 23807571, 25614872). This variant is not present in population databases (gnomAD no frequency). This variant has not been reported in the literature in individuals affected with ATM-related conditions. ClinVar contains an entry for this variant (Variation ID: 1709458). For these reasons, this variant has been classified as Pathogenic.

Myriad Genetics, Inc.
Classification: Pathogenic for Familial cancer of breast. Last evaluated: 2024-02-01. Review status: criteria provided, single submitter. Criteria: Myriad Autosomal Dominant, Autosomal Recessive and X-Linked Classification Criteria (2023). Collection method: clinical testing. Allele origin: unknown.
Comment: This variant is considered pathogenic. This variant creates a frameshift predicted to result in premature protein truncation.

MGZ Medical Genetics Center
Classification: Likely pathogenic for Familial cancer of breast. Last evaluated: 2022-04-29. Review status: criteria provided, single submitter. Criteria: ACMG Guidelines, 2015. Collection method: clinical testing. Allele origin: germline. Affected: yes. Observed: 1 variant allele.
Comment: ACMG criteria applied: PVS1, PM2_SUP

Literature cited by the submitters: PubMed 23807571 (cited by Labcorp Genetics (formerly Invitae), Labcorp); PubMed 25614872 (cited by Labcorp Genetics (formerly Invitae), Labcorp).

NM_000051.4(ATM):c.8291dup (p.Ser2764fs)

Genes: ATM (ATM serine/threonine kinase; plus strand), C11orf65 (chromosome 11 open reading frame 65; minus strand). Cytogenetic location: 11q22.3.
Variant type: Duplication.
Coding change: c.8291dup on transcript NM_000051.4 (MANE Select); coding-DNA position 8291, one base duplicated (G; older notation c.8291dupG).
Protein change: p.Ser2764fs; shifts the reading frame from serine 2764.
Molecular consequence: frameshift variant. On other transcripts: intron variant (2).
Genome position (GRCh38, 1-based): chr11:108,343,244, G duplicated. VCF-style (leftmost placement, unchanged base first): chr11-108343243-A-AG. GRCh37 (hg19) VCF-style: chr11-108213970-A-AG.
Other names: c.8291dup, p.Ser2764fs (NM_001351834.2); c.641-34173dup (NM_001330368.2); c.695-7952dup (NM_001351110.2); short protein forms S2764fs.
Identifiers: ClinVar variation 1709458 (VCV001709458.3), dbSNP rs2547415413, ClinGen allele CA2580083161.